The following is an entry in ClinVar:

NM_017617.5(NOTCH1):c.4745C>T (p.Pro1582Leu)

Gene: NOTCH1 (notch receptor 1; minus strand). Cytogenetic location: 9q34.3.
Variant type: single nucleotide variant.
Coding change: c.4745C>T on transcript NM_017617.5 (MANE Select); coding-DNA position 4745, C replaced by T.
Protein change: p.Pro1582Leu; replaces proline 1582 with leucine.
Molecular consequence: missense variant.
Genome position (GRCh38, 1-based): chr9:136,504,946, G>A on the plus strand (C>T on the coding strand, the complement: NOTCH1 is on the minus strand). VCF-style: chr9-136504946-G-A. GRCh37 (hg19) VCF-style: chr9-139399398-G-A.
Other names: short protein forms P1582L.
Identifiers: ClinVar variation 4699527 (VCV004699527.1).

ClinVar aggregate classification (germline): Uncertain significance (1 of 4 stars; one submission).

Conditions:
Adams-Oliver syndrome 5 (AOS5). Identifiers: Orphanet 974, MedGen C4014970, MONDO:0014459, OMIM 616028.

gnomAD v4.1: 5 of 1,587,656 alleles (0.00031%); highest among the groups gnomAD compares: Non-Finnish European, 0.00043%; no homozygotes.

Submission:

Labcorp Genetics (formerly Invitae), Labcorp
Classification: Uncertain significance for Adams-Oliver syndrome 5. Last evaluated: 2025-04-21. Review status: criteria provided, single submitter. Criteria: Invitae Variant Classification Sherloc (09022015). Collection method: clinical testing. Allele origin: germline.
Comment: This sequence change replaces proline, which is neutral and non-polar, with leucine, which is neutral and non-polar, at codon 1582 of the NOTCH1 protein (p.Pro1582Leu). The frequency data for this variant in the population databases is considered unreliable, as metrics indicate poor data quality at this position in the gnomAD database. This variant has not been reported in the literature in individuals affected with NOTCH1-related conditions. Invitae Evidence Modeling of protein sequence and biophysical properties (such as structural, functional, and spatial information, amino acid conservation, physicochemical variation, residue mobility, and thermodynamic stability) indicates that this missense variant is not expected to disrupt NOTCH1 protein function with a negative predictive value of 80%. In summary, the available evidence is currently insufficient to determine the role of this variant in disease. Therefore, it has been classified as a Variant of Uncertain Significance.